The following is an entry in ClinVar:

ClinVar aggregate classification (germline): Likely pathogenic. Review status: criteria provided, multiple submitters, no conflicts (2 of 4 stars). 4 submissions from 4 submitters: Likely pathogenic (3). 1 of the submissions does not count toward it. Last evaluated 2025-12-29.

Conditions:
Alport syndrome. Also called: Hemorrhagic familial nephritis; Hemorrhagic hereditary nephritis; Congenital hereditary hematuria. Identifiers: Orphanet 63, MedGen C1567741, MONDO:0018965.
Autosomal recessive Alport syndrome (ATS2). Also called: COL4A4 Alport Syndrome and Thin Basement Membrane Nephropathy; ALPORT SYNDROME 2, AUTOSOMAL RECESSIVE; Alport syndrome type 2; COL4A3-Related Nephropathy. Identifiers: Orphanet 63, Orphanet 88919, MedGen C4746745, MONDO:0008762, OMIM 203780.
Benign familial hematuria. Also called: thin basement membrane disease. Identifiers: MedGen C0241908, MONDO:0957317.

Allele frequency attached by ClinVar (database versions not stated): gnomAD exomes below 0.00001; gnomAD 0.00001; TOPMed 0.00001.
gnomAD v4.1: 5 of 1,613,604 alleles (0.00031%); highest among the groups gnomAD compares: African/African-American, 0.0067%; no homozygotes.

Submissions (4):

Natera, Inc.
Classification: Likely pathogenic for Alport syndrome. Last evaluated: 2025-12-29. Review status: criteria provided, single submitter. Criteria: Natera Variant Classification Schema (03/2026). Collection method: clinical testing. Allele origin: germline.
Comment: The c.1424G>C variant in COL4A4 is a missense variant predicted to cause substitution of glycine to alanine at amino acid 475. This variant is rare in the general population with a frequency below the threshold expected for the associated phenotype(s). This variant is located in a functionally critical region of the protein. A different variant at the same position has been determined to be Pathogenic or Likely Pathogenic. Computational prediction algorithms indicate this variant is likely to affect gene or protein function. Given the available evidence, this variant is classified as Likely Pathogenic.

GeneDx
Classification: Likely pathogenic. Last evaluated: 2023-10-18. Review status: criteria provided, single submitter. Criteria: GeneDx Variant Classification Process June 2021. Collection method: clinical testing. Allele origin: germline. Affected: yes.
Comment: Located within triple-helical region and replaces the G position in the canonical G-X-Y repeat; Not observed at significant frequency in large population cohorts (gnomAD); In silico analysis supports that this missense variant has a deleterious effect on protein structure/function; Has not been previously published as pathogenic or benign to our knowledge

Fulgent Genetics
Classification: Likely pathogenic for Hematuria, benign familial, 1; Autosomal recessive Alport syndrome. Last evaluated: 2022-02-10. Review status: criteria provided, single submitter. Criteria: ACMG Guidelines, 2015. Collection method: clinical testing. Allele origin: unknown.

Bioscientia Institut fuer Medizinische Diagnostik GmbH, Sonic Healthcare
Classification: Likely pathogenic for Autosomal recessive Alport syndrome. Last evaluated: 2020-06-26. Review status: no assertion criteria provided. Collection method: clinical testing. Allele origin: germline. Affected: yes. Not counted in ClinVar's aggregate classification.

NM_000092.5(COL4A4):c.1424G>C (p.Gly475Ala)

Gene: COL4A4 (collagen type IV alpha 4 chain; minus strand). Cytogenetic location: 2q36.3.
Variant type: single nucleotide variant.
Coding change: c.1424G>C on transcript NM_000092.5 (MANE Select); coding-DNA position 1424, G replaced by C.
Protein change: p.Gly475Ala; replaces glycine 475 with alanine.
Molecular consequence: missense variant.
Genome position (GRCh38, 1-based): chr2:227,089,903, C>G on the plus strand (G>C on the coding strand, the complement: COL4A4 is on the minus strand). VCF-style: chr2-227089903-C-G. GRCh37 (hg19) VCF-style: chr2-227954619-C-G.
Other names: short protein forms G475A.
Identifiers: ClinVar variation 992406 (VCV000992406.7), dbSNP rs1559594442, ClinGen allele CA350850487.